The following is an entry in ClinVar:

ClinVar aggregate classification (germline): Pathogenic (1 of 4 stars; one submission).

Submission:

CeGaT Center for Human Genetics Tuebingen
Classification: Pathogenic. Last evaluated: 2022-04-01. Review status: criteria provided, single submitter. Criteria: CeGaT Center For Human Genetics Tuebingen Variant Classification Criteria Version 2. Collection method: clinical testing. Allele origin: germline. Affected: yes. Observed: 1 variant allele.
Comment: TSC2: PVS1, PM2, PP4

NM_000548.5(TSC2):c.5003_5004del (p.Phe1668fs)

Gene: TSC2 (TSC complex subunit 2; plus strand). Cytogenetic location: 16p13.3.
Variant type: Deletion.
Coding change: c.5003_5004del on transcript NM_000548.5 (MANE Select); coding-DNA positions 5003 to 5004, 2 bases deleted (TT; older notation c.5003_5004delTT).
Protein change: p.Phe1668fs; shifts the reading frame from phenylalanine 1668.
Molecular consequence: frameshift variant.
Genome position (GRCh38, 1-based): chr16:2,087,876-2,087,877, TT deleted; deleting any 2 consecutive bases within chr16:2,087,875-2,087,877 gives the same sequence; the c. name uses the placement nearest the transcript's 3' end. VCF-style (leftmost placement, unchanged base first): chr16-2087874-CTT-C. GRCh37 (hg19) VCF-style: chr16-2137875-CTT-C.
Other names: c.4802_4803del, p.Phe1601fs (NM_001077183.3); c.4934_4935del, p.Phe1645fs (NM_001114382.3); c.4694_4695del, p.Phe1565fs (NM_001318827.2); c.4658_4659del, p.Phe1553fs (NM_001318829.2); c.4271_4272del, p.Phe1424fs (NM_001318831.2); c.4835_4836del, p.Phe1612fs (NM_001318832.2); c.4805_4806del, p.Phe1602fs (NM_001363528.2); c.4871_4872del, p.Phe1624fs (NM_001370404.1); and 1 more; short protein forms F1424fs, F1553fs, F1565fs, F1601fs, F1602fs, F1612fs, F1624fs, F1625fs.
Identifiers: ClinVar variation 1694779 (VCV001694779.31), dbSNP rs2151611619, ClinGen allele CA2580091115.
Genomic context (GRCh38, chr16:2,087,874, plus strand): 5'-CTTCAGCACACGCTGTGTGCGGGGATGACCCTTTCTCTTGTCCGGGCAGGGCCAGTTCAA[CTT>C]TGTCCACGTGATCGTCACCCCGCTGGACTACGAGTGCAACCTGGTGTCCCTGCAGTGCAG-3'